The following is an entry in ClinVar:

NM_012431.3(SEMA3E):c.995C>G (p.Thr332Ser)

Gene: SEMA3E (semaphorin 3E; minus strand). Cytogenetic location: 7q21.11.
Variant type: single nucleotide variant.
Coding change: c.995C>G on transcript NM_012431.3 (MANE Select); coding-DNA position 995, C replaced by G.
Protein change: p.Thr332Ser; replaces threonine 332 with serine.
Molecular consequence: missense variant.
Genome position (GRCh38, 1-based): chr7:83,405,453, G>C on the plus strand (C>G on the coding strand, the complement: SEMA3E is on the minus strand). VCF-style: chr7-83405453-G-C. GRCh37 (hg19) VCF-style: chr7-83034769-G-C.
Other names: c.815C>G, p.Thr272Ser (NM_001178129.2); short protein forms T332S, T272S.
Identifiers: ClinVar variation 459540 (VCV000459540.10), dbSNP rs1554320452, ClinGen allele CA367929364.

ClinVar aggregate classification (germline): Uncertain significance (1 of 4 stars; one submission).

Conditions:
CHARGE syndrome (CHARGE). Also called: Hittner Hirsch Kreh syndrome; CHARGE ASSOCIATION--COLOBOMA, HEART ANOMALY, CHOANAL ATRESIA, RETARDATION, GENITAL AND EAR ANOMALIES; Coloboma, heart anomaly, choanal atresia, retardation, genital and ear anomalies; CHARGE association; Hall-Hittner syndrome. Identifiers: Orphanet 138, MedGen C0265354, MONDO:0008965.

Submission:

Labcorp Genetics (formerly Invitae), Labcorp
Classification: Uncertain significance for CHARGE syndrome. Last evaluated: 2020-11-17. Review status: criteria provided, single submitter. Criteria: Invitae Variant Classification Sherloc (09022015). Collection method: clinical testing. Allele origin: germline.
Comment: This sequence change replaces threonine with serine at codon 332 of the SEMA3E protein (p.Thr332Ser). The threonine residue is highly conserved and there is a small physicochemical difference between threonine and serine. In summary, the available evidence is currently insufficient to determine the role of this variant in disease. Therefore, it has been classified as a Variant of Uncertain Significance. Algorithms developed to predict the effect of sequence changes on RNA splicing suggest that this variant may create or strengthen a splice site, but this prediction has not been confirmed by published transcriptional studies. Algorithms developed to predict the effect of missense changes on protein structure and function do not agree on the potential impact of this missense change (SIFT: "Deleterious"; PolyPhen-2: "Probably Damaging"; Align-GVGD: "Class C0"). This variant has not been reported in the literature in individuals with SEMA3E-related disease. This variant is not present in population databases (ExAC no frequency).